The following is an entry in ClinVar:

NM_025103.4(IFT74):c.1343G>A (p.Arg448His)

Gene: IFT74 (intraflagellar transport 74; plus strand). Cytogenetic location: 9p21.2.
Variant type: single nucleotide variant.
Coding change: c.1343G>A on transcript NM_025103.4 (MANE Select); coding-DNA position 1343, G replaced by A.
Protein change: p.Arg448His; replaces arginine 448 with histidine.
Molecular consequence: missense variant.
Genome position (GRCh38, 1-based): chr9:27,055,618, G>A. VCF-style: chr9-27055618-G-A. GRCh37 (hg19) VCF-style: chr9-27055616-G-A.
Other names: c.1343G>A, p.Arg448His (NM_001099222.3, NM_001099223.3, NM_001349928.2); c.1343G>A (NM_025103.3, NM_025103.2); short protein forms R448H.
Identifiers: ClinVar variation 2170750 (VCV002170750.6), dbSNP rs200923828, ClinGen allele CA5015651.

ClinVar aggregate classification (germline): Uncertain significance. Review status: criteria provided, multiple submitters, no conflicts (2 of 4 stars). 3 submissions from 3 submitters: Uncertain significance (3). Last evaluated 2026-07-02.

Conditions:
Joubert syndrome 40. Identifiers: MedGen C5562007, MONDO:0030462, OMIM 619582.
Spermatogenic failure 58. Identifiers: MedGen C5562008, MONDO:0030463, OMIM 619585.
Bardet-Biedl syndrome 22 (BBS22). Identifiers: MedGen C5561936, MONDO:0014926, OMIM 617119.
IFT74-related disorder. Also called: IFT74-related condition; IFT74-Related Disorders.

Allele frequency attached by ClinVar (database versions not stated): TOPMed 0.00007; ExAC 0.00008; gnomAD 0.00009; 1000 Genomes Project 0.00060; 1000 Genomes Project 30x 0.00062.
gnomAD v4.1: 106 of 1,572,486 alleles (0.0067%); highest among the groups gnomAD compares: Middle Eastern, 0.051%; no homozygotes.

Submissions (3):

PreventionGenetics, part of Exact Sciences
Classification: Uncertain significance for IFT74-related condition. Last evaluated: 2026-07-02. Review status: criteria provided, single submitter. Criteria: ACMG Guidelines, 2015. Collection method: clinical testing. Allele origin: germline.
Comment: The IFT74 c.1343G>A variant is predicted to result in the amino acid substitution p.Arg448His. To our knowledge, this variant has not been reported in the literature. This variant is reported in 0.014% of alleles in individuals of African descent in gnomAD. At this time, the clinical significance of this variant is uncertain due to the absence of conclusive functional and genetic evidence.

Labcorp Genetics (formerly Invitae), Labcorp
Classification: Uncertain significance. Last evaluated: 2022-07-13. Review status: criteria provided, single submitter. Criteria: Invitae Variant Classification Sherloc (09022015). Collection method: clinical testing. Allele origin: germline.
Comment: This sequence change replaces arginine, which is basic and polar, with histidine, which is basic and polar, at codon 448 of the IFT74 protein (p.Arg448His). This variant is present in population databases (rs200923828, gnomAD 0.02%). This variant has not been reported in the literature in individuals affected with IFT74-related conditions. Algorithms developed to predict the effect of missense changes on protein structure and function are either unavailable or do not agree on the potential impact of this missense change (SIFT: "Deleterious"; PolyPhen-2: "Benign"; Align-GVGD: "Class C0"). In summary, the available evidence is currently insufficient to determine the role of this variant in disease. Therefore, it has been classified as a Variant of Uncertain Significance.

New York Genome Center
Classification: Uncertain significance for Bardet-Biedl syndrome 22; Joubert syndrome 40; Spermatogenic failure 58. Last evaluated: 2022-06-17. Review status: criteria provided, single submitter. Criteria: NYGC Assertion Criteria 2020. Collection method: clinical testing. Allele origin: germline. Observed: 1 heterozygote.